The following is an entry in ClinVar:

ClinVar aggregate classification (germline): Pathogenic (1 of 4 stars; one submission).

Submission:

Labcorp Genetics (formerly Invitae), Labcorp
Classification: Pathogenic. Last evaluated: 2024-02-25. Review status: criteria provided, single submitter. Criteria: Invitae Variant Classification Sherloc (09022015). Collection method: clinical testing. Allele origin: germline.
Comment: This sequence change creates a premature translational stop signal (p.Val1197Leufs*33) in the ABCC2 gene. It is expected to result in an absent or disrupted protein product. Loss-of-function variants in ABCC2 are known to be pathogenic (PMID: 9185779, 16549534, 16952291). This variant is not present in population databases (gnomAD no frequency). This variant has not been reported in the literature in individuals affected with ABCC2-related conditions. For these reasons, this variant has been classified as Pathogenic.

Literature cited by the submitters: PubMed 9185779; PubMed 16549534; PubMed 16952291.

NM_000392.5(ABCC2):c.3589_3590del (p.Val1197fs)

Gene: ABCC2 (ATP binding cassette subfamily C member 2; plus strand). Cytogenetic location: 10q24.2.
Variant type: Microsatellite.
Coding change: c.3589_3590del on transcript NM_000392.5 (MANE Select); coding-DNA positions 3589 to 3590, 2 bases deleted (GT; older notation c.3589_3590delGT).
Protein change: p.Val1197fs; shifts the reading frame from valine 1197.
Molecular consequence: frameshift variant.
Genome position (GRCh38, 1-based): chr10:99,836,265-99,836,266, GT deleted; deleting any 2 consecutive bases within chr10:99,836,262-99,836,266 gives the same sequence; the c. name uses the placement nearest the transcript's 3' end. VCF-style (leftmost placement, unchanged base first): chr10-99836261-ATG-A. GRCh37 (hg19) VCF-style: chr10-101596018-ATG-A.
Other names: short protein forms V1197fs.
Identifiers: ClinVar variation 2867633 (VCV002867633.3), dbSNP rs2038821887, ClinGen allele CA1931496456.